The following is an entry in ClinVar:

NM_001386298.1(CIC):c.6072C>G (p.Pro2024=)

Gene: CIC (capicua transcriptional repressor; plus strand). Cytogenetic location: 19q13.2.
Variant type: single nucleotide variant.
Coding change: c.6072C>G on transcript NM_001386298.1 (MANE Select); coding-DNA position 6072, C replaced by G.
Protein change: p.Pro2024=; no amino-acid change (proline 2024 retained).
Molecular consequence: synonymous variant.
Genome position (GRCh38, 1-based): chr19:42,292,735, C>G. VCF-style: chr19-42292735-C-G. GRCh37 (hg19) VCF-style: chr19-42796887-C-G.
Other names: c.6072C>G, p.Pro2024= (NM_001304815.2, NM_001379480.1, NM_001379482.1 and 6 more transcripts); c.3345C>G, p.Pro1115= (NM_001379484.1, NM_001379485.1, NM_001439189.1 and 2 more transcripts); c.3342C>G, p.Pro1114= (NM_001439191.1).
Identifiers: ClinVar variation 4821836 (VCV004821836.4).
Genomic context (GRCh38, chr19:42,292,735, plus strand): 5'-TTACTCTGGCAGCCCTGCACCCACCTCCTCAGCACCCCTGGCCCAGCCATCCCAGGCCCC[C>G]CCAAGCCTGGTCTACACTGTGGCCACCAGCACAACCCCACCTGCAGCCACCATTCTGCCC-3'
Protein context (NP_001373227.1, residues 2014-2034): SAPLAQPSQA[Pro2024=]PSLVYTVATS

ClinVar aggregate classification (germline): Likely benign (1 of 4 stars; one submission).

gnomAD v4.1: 8 of 1,613,660 alleles (0.0005%); highest among the groups gnomAD compares: Admixed American, 0.0017%; no homozygotes.

Submission:

CeGaT Center for Human Genetics Tuebingen
Classification: Likely benign. Last evaluated: 2026-02-01. Review status: criteria provided, single submitter. Criteria: CeGaT Center For Human Genetics Tuebingen Variant Classification Criteria Version 2. Collection method: clinical testing. Allele origin: germline. Affected: yes. Observed: 1 variant allele.
Comment: CIC: BP4, BP7